The following is an entry in ClinVar:

ClinVar aggregate classification (germline): Pathogenic (1 of 4 stars; one submission).

Conditions:
Neurofibromatosis, type 1 (NF1). Also called: NEUROFIBROMATOSIS, TYPE I, SOMATIC; VON RECKLINGHAUSEN DISEASE; Peripheral type neurofibromatosis; Neurofibromatosis, type I. Identifiers: Orphanet 636, MedGen C0027831, MONDO:0018975, OMIM 162200. Disease mechanism: loss of function.

Submission:

Labcorp Genetics (formerly Invitae), Labcorp
Classification: Pathogenic for Neurofibromatosis, type 1. Last evaluated: 2022-08-22. Review status: criteria provided, single submitter. Criteria: Invitae Variant Classification Sherloc (09022015). Collection method: clinical testing. Allele origin: germline.
Comment: For these reasons, this variant has been classified as Pathogenic. Algorithms developed to predict the effect of sequence changes on RNA splicing suggest that this variant may create or strengthen a splice site. ClinVar contains an entry for this variant (Variation ID: 1451180). This variant has not been reported in the literature in individuals affected with NF1-related conditions. This variant is not present in population databases (gnomAD no frequency). This sequence change creates a premature translational stop signal (p.Val253Glyfs*6) in the NF1 gene. It is expected to result in an absent or disrupted protein product. Loss-of-function variants in NF1 are known to be pathogenic (PMID: 10712197, 23913538).

Literature cited by the submitters: PubMed 10712197; PubMed 23913538.

NM_001042492.3(NF1):c.757dup (p.Val253fs)

Gene: NF1 (neurofibromin 1; plus strand). Cytogenetic location: 17q11.2.
Variant type: Duplication.
Coding change: c.757dup on transcript NM_001042492.3 (MANE Select); coding-DNA position 757, one base duplicated (G; older notation c.757dupG).
Protein change: p.Val253fs; shifts the reading frame from valine 253.
Molecular consequence: frameshift variant.
Genome position (GRCh38, 1-based): chr17:31,182,534, G duplicated; the last of 2 consecutive G bases (chr17:31,182,533-31,182,534); duplicating either gives the same sequence. VCF-style (leftmost placement, unchanged base first): chr17-31182532-T-TG. GRCh37 (hg19) VCF-style: chr17-29509550-T-TG.
Other names: c.757dup, p.Val253Glyfs (NM_000267.4); c.757dup, p.Val253fs (NM_001128147.3); short protein forms V253fs.
Identifiers: ClinVar variation 1451180 (VCV001451180.6), dbSNP rs2143785195, ClinGen allele CA2573153735.